The following is an entry in ClinVar:

ClinVar aggregate classification (germline): Uncertain significance (1 of 4 stars; one submission).

Allele frequency attached by ClinVar (database versions not stated): gnomAD exomes below 0.00001.
gnomAD v4.1: 1 of 1,609,502 alleles (0.000062%); no homozygotes.

Submission:

Labcorp Genetics (formerly Invitae), Labcorp
Classification: Uncertain significance. Last evaluated: 2020-08-12. Review status: criteria provided, single submitter. Criteria: Invitae Variant Classification Sherloc (09022015). Collection method: clinical testing. Allele origin: germline.
Comment: This variant has not been reported in the literature in individuals with POLE-related conditions. This sequence change replaces alanine with aspartic acid at codon 1751 of the POLE protein (p.Ala1751Asp). The alanine residue is moderately conserved and there is a moderate physicochemical difference between alanine and aspartic acid. This variant is not present in population databases (ExAC no frequency). Algorithms developed to predict the effect of missense changes on protein structure and function are either unavailable or do not agree on the potential impact of this missense change (SIFT: "Deleterious"; PolyPhen-2: "Possibly Damaging"; Align-GVGD: "Class C0"). In summary, the available evidence is currently insufficient to determine the role of this variant in disease. Therefore, it has been classified as a Variant of Uncertain Significance.

NM_006231.4(POLE):c.5252C>A (p.Ala1751Asp)

Gene: POLE (DNA polymerase epsilon, catalytic subunit; minus strand). Cytogenetic location: 12q24.33.
Variant type: single nucleotide variant.
Coding change: c.5252C>A on transcript NM_006231.4 (MANE Select); coding-DNA position 5252, C replaced by A.
Protein change: p.Ala1751Asp; replaces alanine 1751 with aspartic acid.
Molecular consequence: missense variant.
Genome position (GRCh38, 1-based): chr12:132,641,773, G>T on the plus strand (C>A on the coding strand, the complement: POLE is on the minus strand). VCF-style: chr12-132641773-G-T. GRCh37 (hg19) VCF-style: chr12-133218359-G-T.
Other names: short protein forms A1751D.
Identifiers: ClinVar variation 1002610 (VCV001002610.8), dbSNP rs1555222349, ClinGen allele CA387376318.
Genomic context (GRCh38, chr12:132,641,773, plus strand): 5'-GTGATCATGTCCTCCAGGGAGGCCTGCTGGATCACGTCGAAGCTGATCCCCATGCTGTCG[G>T]CCCCCTCCATGTCGTTGACATGGTGAGACTGGAGAATGGTGTTGACGGCCAGGTTCTGAA-3'
Protein context (NP_006222.2, residues 1741-1761): QSHHVNDMEG[Ala1751Asp]DSMGISFDVI